The following is an entry in ClinVar:

NM_001844.5(COL2A1):c.1996-1G>C

Gene: COL2A1 (collagen type II alpha 1 chain; minus strand). Cytogenetic location: 12q13.11.
Variant type: single nucleotide variant.
Coding change: c.1996-1G>C on transcript NM_001844.5 (MANE Select); the canonical splice acceptor site of the intron before coding-DNA position 1996, G replaced by C.
Molecular consequence: splice acceptor variant.
Genome position (GRCh38, 1-based): chr12:47,983,439, C>G on the plus strand (G>C on the coding strand, the complement: COL2A1 is on the minus strand). VCF-style: chr12-47983439-C-G. GRCh37 (hg19) VCF-style: chr12-48377222-C-G.
Other names: c.1789-1G>C (NM_033150.3).
Identifiers: ClinVar variation 1452321 (VCV001452321.6), dbSNP rs886041935, ClinGen allele CA384548164.

ClinVar aggregate classification (germline): Pathogenic (1 of 4 stars; one submission).

Submission:

Labcorp Genetics (formerly Invitae), Labcorp
Classification: Pathogenic. Last evaluated: 2021-11-26. Review status: criteria provided, single submitter. Criteria: Invitae Variant Classification Sherloc (09022015). Collection method: clinical testing. Allele origin: germline.
Comment: For these reasons, this variant has been classified as Pathogenic. Algorithms developed to predict the effect of sequence changes on RNA splicing suggest that this variant may disrupt the consensus splice site. Disruption of this splice site has been observed in individuals with clinical features of Stickler syndrome (PMID: 26443184; Invitae). This variant is not present in population databases (gnomAD no frequency). This sequence change affects an acceptor splice site in intron 30 of the COL2A1 gene. It is expected to disrupt RNA splicing. Variants that disrupt the donor or acceptor splice site typically lead to a loss of protein function (PMID: 16199547), and loss-of-function variants in COL2A1 are known to be pathogenic (PMID: 20179744).

Literature cited by the submitters: PubMed 26443184; PubMed 16199547; PubMed 20179744.